The following is an entry in ClinVar:

NM_000330.4(RS1):c.578C>T (p.Pro193Leu)

Genes: CDKL5 (cyclin dependent kinase like 5; plus strand), RS1 (retinoschisin 1; minus strand). Cytogenetic location: Xp22.13.
Variant type: single nucleotide variant.
Coding change: c.578C>T on transcript NM_000330.4 (MANE Select); coding-DNA position 578, C replaced by T.
Protein change: p.Pro193Leu; replaces proline 193 with leucine.
Molecular consequence: missense variant. On other transcripts: intron variant (2).
Genome position (GRCh38, 1-based): chrX:18,642,101, G>A on the plus strand (C>T on the coding strand, the complement: RS1 is on the minus strand). VCF-style: chrX-18642101-G-A. GRCh37 (hg19) VCF-style: chrX-18660221-G-A.
Other names: c.2714-3906G>A (NM_003159.3, NM_001037343.2); short protein forms P193L.
Identifiers: ClinVar variation 98994 (VCV000098994.11), dbSNP rs281865352, ClinGen allele CA226794.

ClinVar aggregate classification (germline): Pathogenic. Review status: criteria provided, multiple submitters, no conflicts (2 of 4 stars). 4 submissions from 4 submitters: Pathogenic (2). 2 of the submissions do not count toward it. Last evaluated 2024-06-19.

Conditions:
Retinal dystrophy. Also called: Inherited retinal dystrophy. Identifiers: Orphanet 71862, MedGen C0854723, MeSH D058499, MONDO:0019118, HP:0000556.
Retinoschisis. Identifiers: MedGen C0152439, MONDO:0004579, HP:0030502.

Submissions (4):

Labcorp Genetics (formerly Invitae), Labcorp
Classification: Pathogenic. Last evaluated: 2024-06-19. Review status: criteria provided, single submitter. Criteria: Invitae Variant Classification Sherloc (09022015). Collection method: clinical testing. Allele origin: germline.
Comment: This sequence change replaces proline, which is neutral and non-polar, with leucine, which is neutral and non-polar, at codon 193 of the RS1 protein (p.Pro193Leu). This variant is not present in population databases (gnomAD no frequency). This missense change has been observed in individuals with X-linked juvenile retinoschisis (PMID: 9326935, 9760195, 10450864, 15937075, 24505212). It has also been observed to segregate with disease in related individuals. ClinVar contains an entry for this variant (Variation ID: 98994). Advanced modeling of protein sequence and biophysical properties (such as structural, functional, and spatial information, amino acid conservation, physicochemical variation, residue mobility, and thermodynamic stability) performed at Invitae indicates that this missense variant is expected to disrupt RS1 protein function with a positive predictive value of 95%. This variant disrupts the p.Pro193 amino acid residue in RS1. Other variant(s) that disrupt this residue have been determined to be pathogenic (PMID: 15281981, 20061330). This suggests that this residue is clinically significant, and that variants that disrupt this residue are likely to be disease-causing. For these reasons, this variant has been classified as Pathogenic.

Institute of Human Genetics, Univ. Regensburg, Univ. Regensburg
Classification: Pathogenic for Retinal dystrophy. Last evaluated: 2021-01-01. Review status: criteria provided, single submitter. Criteria: ACMG Guidelines, 2015. Collection method: clinical testing. Allele origin: germline. Affected: yes.

Sharon lab, Hadassah-Hebrew University Medical Center
Classification: Likely pathogenic for retinoschisis. Last evaluated: 2019-06-23. Review status: no assertion criteria provided. Collection method: research. Allele origin: inherited. Affected: yes. Not counted in ClinVar's aggregate classification.

Retina International
No classification provided. Review status: no classification provided. Collection method: not provided. Allele origin: unknown. Not counted in ClinVar's aggregate classification.

Literature cited by the submitters: PubMed 9326935 (cited by Labcorp Genetics (formerly Invitae), Labcorp and Institute of Human Genetics, Univ. Regensburg, Univ. Regensburg); PubMed 9760195 (cited by Labcorp Genetics (formerly Invitae), Labcorp); PubMed 10450864 (cited by Labcorp Genetics (formerly Invitae), Labcorp); PubMed 15937075 (cited by Labcorp Genetics (formerly Invitae), Labcorp); PubMed 24505212 (cited by Labcorp Genetics (formerly Invitae), Labcorp); PubMed 15281981 (cited by Labcorp Genetics (formerly Invitae), Labcorp); PubMed 20061330 (cited by Labcorp Genetics (formerly Invitae), Labcorp); PubMed 31456290 (cited by Institute of Human Genetics, Univ. Regensburg, Univ. Regensburg); PubMed 35456481 (cited by Institute of Human Genetics, Univ. Regensburg, Univ. Regensburg); PubMed 35309139 (cited by Institute of Human Genetics, Univ. Regensburg, Univ. Regensburg).